The following is an entry in ClinVar:

NM_000264.5(PTCH1):c.3107T>A (p.Leu1036Ter)

Gene: PTCH1 (patched 1; minus strand). Cytogenetic location: 9q22.32.
Variant type: single nucleotide variant.
Coding change: c.3107T>A on transcript NM_000264.5 (MANE Select); coding-DNA position 3107, T replaced by A.
Protein change: p.Leu1036Ter; replaces leucine 1036 with a stop codon.
Molecular consequence: nonsense. On other transcripts: non-coding transcript variant (1).
Genome position (GRCh38, 1-based): chr9:95,458,074, A>T on the plus strand (T>A on the coding strand, the complement: PTCH1 is on the minus strand). VCF-style: chr9-95458074-A-T. GRCh37 (hg19) VCF-style: chr9-98220356-A-T.
Other names: c.2909T>A, p.Leu970Ter (NM_001083602.3); c.3104T>A, p.Leu1035Ter (NM_001083603.3); c.2654T>A, p.Leu885Ter (NM_001083604.3, NM_001083605.3, NM_001083606.3 and 1 more transcripts); c.2951T>A, p.Leu984Ter (NM_001354918.2); short protein forms L1036*, L970*, L885*, L984*, L1035*.
Identifiers: ClinVar variation 521307 (VCV000521307.6), dbSNP rs1554691359, ClinGen allele CA374112378.

ClinVar aggregate classification (germline): Pathogenic. Review status: criteria provided, multiple submitters, no conflicts (2 of 4 stars). 2 submissions from 2 submitters: Pathogenic (2). Last evaluated 2025-06-09.

Conditions:
Inborn genetic diseases. Identifiers: MedGen C0950123, MeSH D030342.
Gorlin syndrome. Also called: Nevoid Basal Cell Carcinoma Syndrome; Basal cell nevus syndrome. Identifiers: Orphanet 377, MedGen C0004779, MONDO:0007187.

Submissions (2):

Labcorp Genetics (formerly Invitae), Labcorp
Classification: Pathogenic for Gorlin syndrome. Last evaluated: 2025-06-09. Review status: criteria provided, single submitter. Criteria: Invitae Variant Classification Sherloc (09022015). Collection method: clinical testing. Allele origin: germline.
Comment: This sequence change creates a premature translational stop signal (p.Leu1036*) in the PTCH1 gene. It is expected to result in an absent or disrupted protein product. Loss-of-function variants in PTCH1 are known to be pathogenic (PMID: 16301862, 16419085). This variant is not present in population databases (gnomAD no frequency). This variant has not been reported in the literature in individuals affected with PTCH1-related conditions. ClinVar contains an entry for this variant (Variation ID: 521307). For these reasons, this variant has been classified as Pathogenic.

Ambry Genetics
Classification: Pathogenic for Inborn genetic diseases. Last evaluated: 2016-10-27. Review status: criteria provided, single submitter. Criteria: Ambry exome assertion method (8-5-2015). Collection method: clinical testing. Allele origin: germline. Affected: yes. Observed: 1 variant allele.

Literature cited by the submitters: PubMed 16301862 (cited by Labcorp Genetics (formerly Invitae), Labcorp); PubMed 16419085 (cited by Labcorp Genetics (formerly Invitae), Labcorp).